The following is an entry in ClinVar:

NM_004525.3(LRP2):c.12513T>C (p.Leu4171=)

Gene: LRP2 (LDL receptor related protein 2; minus strand). Cytogenetic location: 2q31.1.
Variant type: single nucleotide variant.
Coding change: c.12513T>C on transcript NM_004525.3 (MANE Select); coding-DNA position 12513, T replaced by C.
Protein change: p.Leu4171=; no amino-acid change (leucine 4171 retained).
Molecular consequence: synonymous variant.
Genome position (GRCh38, 1-based): chr2:169,150,975, A>G on the plus strand (T>C on the coding strand, the complement: LRP2 is on the minus strand). VCF-style: chr2-169150975-A-G. GRCh37 (hg19) VCF-style: chr2-170007485-A-G.
Identifiers: ClinVar variation 1656976 (VCV001656976.32), dbSNP rs2105354001, ClinGen allele CA429921754.
Genomic context (GRCh38, chr2:169,150,975, plus strand): 5'-AGCAATAGCAGCTGGTTGGTCCAGGTCAGTGGAAATCAGCCACTTTCTGTACCTTCCATC[A>G]AGTTTAGCCACCTCAATGCGTTTATTCTTGACATCTGACCAGTAAATATGCCTGAATTCA-3'
Protein context (NP_004516.2, residues 4161-4181): VKNKRIEVAK[Leu4171=]DGRYRKWLIS

ClinVar aggregate classification (germline): Likely benign. Review status: criteria provided, multiple submitters, no conflicts (2 of 4 stars). 2 submissions from 2 submitters: Likely benign (2). Last evaluated 2025-08-04.

Allele frequency attached by ClinVar (database versions not stated): gnomAD exomes below 0.00001.

Submissions (2):

Labcorp Genetics (formerly Invitae), Labcorp
Classification: Likely benign. Last evaluated: 2025-08-04. Review status: criteria provided, single submitter. Criteria: Invitae Variant Classification Sherloc (09022015). Collection method: clinical testing. Allele origin: germline.

CeGaT Center for Human Genetics Tuebingen
Classification: Likely benign. Last evaluated: 2022-09-01. Review status: criteria provided, single submitter. Criteria: CeGaT Center For Human Genetics Tuebingen Variant Classification Criteria Version 2. Collection method: clinical testing. Allele origin: germline. Affected: yes. Observed: 1 variant allele.
Comment: LRP2: PM2:Supporting, BP4, BP7